The following is an entry in ClinVar:

ClinVar aggregate classification (germline): Uncertain significance (1 of 4 stars; one submission).

Allele frequency attached by ClinVar (database versions not stated): TOPMed below 0.00001; gnomAD exomes 0.00002.
gnomAD v4.1: 33 of 1,613,492 alleles (0.002%); highest among the groups gnomAD compares: Non-Finnish European, 0.0028%; no homozygotes.

Submission:

Labcorp Genetics (formerly Invitae), Labcorp
Classification: Uncertain significance. Last evaluated: 2024-12-31. Review status: criteria provided, single submitter. Criteria: Invitae Variant Classification Sherloc (09022015). Collection method: clinical testing. Allele origin: germline.
Comment: This sequence change replaces serine, which is neutral and polar, with phenylalanine, which is neutral and non-polar, at codon 247 of the HNF1A protein (p.Ser247Phe). This variant is present in population databases (no rsID available, gnomAD 0.002%). This variant has not been reported in the literature in individuals affected with HNF1A-related conditions. ClinVar contains an entry for this variant (Variation ID: 2890631). Invitae Evidence Modeling of protein sequence and biophysical properties (such as structural, functional, and spatial information, amino acid conservation, physicochemical variation, residue mobility, and thermodynamic stability) has been performed for this missense variant. However, the output from this modeling did not meet the statistical confidence thresholds required to predict the impact of this variant on HNF1A protein function. In summary, the available evidence is currently insufficient to determine the role of this variant in disease. Therefore, it has been classified as a Variant of Uncertain Significance.

NM_000545.8(HNF1A):c.740C>T (p.Ser247Phe)

Gene: HNF1A (HNF1 homeobox A; plus strand). Cytogenetic location: 12q24.31.
Variant type: single nucleotide variant.
Coding change: c.740C>T on transcript NM_000545.8 (MANE Select); coding-DNA position 740, C replaced by T.
Protein change: p.Ser247Phe; replaces serine 247 with phenylalanine.
Molecular consequence: missense variant.
Genome position (GRCh38, 1-based): chr12:120,994,190, C>T. VCF-style: chr12-120994190-C-T. GRCh37 (hg19) VCF-style: chr12-121431993-C-T.
Other names: c.740C>T, p.Ser247Phe (NM_001306179.2, NM_001406915.1); short protein forms S247F.
Identifiers: ClinVar variation 2890631 (VCV002890631.2), dbSNP rs1384520985, ClinGen allele CA386965881.